The following is an entry in ClinVar:

NM_001278116.2(L1CAM):c.1900T>C (p.Ser634Pro)

Gene: L1CAM (L1 cell adhesion molecule; minus strand). Cytogenetic location: Xq28.
Variant type: single nucleotide variant.
Coding change: c.1900T>C on transcript NM_001278116.2 (MANE Select); coding-DNA position 1900, T replaced by C.
Protein change: p.Ser634Pro; replaces serine 634 with proline.
Molecular consequence: missense variant.
Genome position (GRCh38, 1-based): chrX:153,867,839, A>G on the plus strand (T>C on the coding strand, the complement: L1CAM is on the minus strand). VCF-style: chrX-153867839-A-G. GRCh37 (hg19) VCF-style: chrX-153133294-A-G.
Other names: c.1900T>C, p.Ser634Pro (NM_000425.5, NM_024003.3); c.1885T>C, p.Ser629Pro (NM_001143963.2); short protein forms S629P, S634P.
Identifiers: ClinVar variation 1195024 (VCV001195024.2), dbSNP rs2148495976, ClinGen allele CA415122603.

ClinVar aggregate classification (germline): Uncertain significance (1 of 4 stars; one submission).

Submission:

GeneDx
Classification: Uncertain significance. Last evaluated: 2019-07-05. Review status: criteria provided, single submitter. Criteria: GeneDx Variant Classification Process June 2021. Collection method: clinical testing. Allele origin: germline. Affected: yes.
Comment: Not observed in large population cohorts (Lek et al., 2016); In silico analysis, which includes protein predictors and evolutionary conservation, supports a deleterious effect; Has not been previously published as pathogenic or benign to our knowledge